The following is an entry in ClinVar:

ClinVar aggregate classification (germline): Conflicting classifications of pathogenicity. Review status: criteria provided, conflicting classifications (1 of 4 stars). 3 submissions from 3 submitters: Uncertain significance (1); Benign (1); Likely benign (1). Last evaluated 2025-05-19.

Conditions:
PLS3-related disorder. Also called: PLS3-related condition.
Inborn genetic diseases. Identifiers: MedGen C0950123, MeSH D030342.

Allele frequency attached by ClinVar (database versions not stated): gnomAD exomes 0.00001; ExAC 0.00006; ESP Exome Variant Server 0.00009; gnomAD 0.00022; TOPMed 0.00027.
gnomAD v4.1: 39 of 1,197,593 alleles (0.0033%); highest among the groups gnomAD compares: African/African-American, 0.065%; no homozygotes.

Submissions (3):

Ambry Genetics
Classification: Uncertain significance for Inborn genetic diseases. Last evaluated: 2025-05-19. Review status: criteria provided, single submitter. Criteria: Ambry Variant Classification Scheme 2023. Collection method: clinical testing. Allele origin: germline.

PreventionGenetics, part of Exact Sciences
Classification: Likely benign for PLS3-related condition. Last evaluated: 2025-03-11. Review status: criteria provided, single submitter. Criteria: ACMG Guidelines, 2015. Collection method: clinical testing. Allele origin: germline.
Comment: This variant is classified as likely benign based on ACMG/AMP sequence variant interpretation guidelines (Richards et al. 2015 PMID: 25741868, with internal and published modifications).

Labcorp Genetics (formerly Invitae), Labcorp
Classification: Benign. Last evaluated: 2025-03-03. Review status: criteria provided, single submitter. Criteria: Invitae Variant Classification Sherloc (09022015). Collection method: clinical testing. Allele origin: germline.

NM_005032.7(PLS3):c.86A>G (p.Asn29Ser)

Gene: PLS3 (plastin 3; plus strand). Cytogenetic location: Xq23.
Variant type: single nucleotide variant.
Coding change: c.86A>G on transcript NM_005032.7 (MANE Select); coding-DNA position 86, A replaced by G.
Protein change: p.Asn29Ser; replaces asparagine 29 with serine.
Molecular consequence: missense variant. On other transcripts: 5 prime UTR variant (1).
Genome position (GRCh38, 1-based): chrX:115,622,258, A>G. VCF-style: chrX-115622258-A-G. GRCh37 (hg19) VCF-style: chrX-114856570-A-G.
Other names: c.86A>G (NM_005032.5, NM_005032.6); c.86A>G, p.Asn29Ser (NM_001136025.5, NM_001172335.3); c.20A>G, p.Asn7Ser (NM_001282337.2); c.-50A>G (NM_001282338.2); short protein forms N7S, N29S.
Identifiers: ClinVar variation 2081062 (VCV002081062.8), dbSNP rs145235506, ClinGen allele CA10496836.